The following is an entry in ClinVar:

ClinVar aggregate classification (germline): Uncertain significance. Review status: criteria provided, multiple submitters, no conflicts (2 of 4 stars). 2 submissions from 2 submitters: Uncertain significance (2). Last evaluated 2023-07-17.

Conditions:
Inborn genetic diseases. Identifiers: MedGen C0950123, MeSH D030342.

Allele frequency attached by ClinVar (database versions not stated): gnomAD 0.00001; TOPMed 0.00002; gnomAD exomes 0.00003 and 0.00008; ExAC 0.00015.
gnomAD v4.1: 45 of 1,592,390 alleles (0.0028%); highest among the groups gnomAD compares: African/African-American, 0.011%; no homozygotes.

Submissions (2):

Labcorp Genetics (formerly Invitae), Labcorp
Classification: Uncertain significance. Last evaluated: 2023-07-17. Review status: criteria provided, single submitter. Criteria: Invitae Variant Classification Sherloc (09022015). Collection method: clinical testing. Allele origin: germline.
Comment: In summary, the available evidence is currently insufficient to determine the role of this variant in disease. Therefore, it has been classified as a Variant of Uncertain Significance. An algorithm developed to predict the effect of missense changes on protein structure and function (PolyPhen-2) suggests that this variant¬†is likely to be tolerated. ClinVar contains an entry for this variant (Variation ID: 1500527). This variant has not been reported in the literature in individuals affected with ARL2BP-related conditions. This variant is present in population databases (rs753452835, gnomAD 0.01%). This sequence change replaces glutamic acid, which is acidic and polar, with lysine, which is basic and polar, at codon 36 of the ARL2BP protein (p.Glu36Lys).

Ambry Genetics
Classification: Uncertain significance for Inborn genetic diseases. Last evaluated: 2022-06-24. Review status: criteria provided, single submitter. Criteria: Ambry Variant Classification Scheme 2023. Collection method: clinical testing. Allele origin: germline.

NM_012106.4(ARL2BP):c.106G>A (p.Glu36Lys)

Gene: ARL2BP (ARF like GTPase 2 binding protein; plus strand). Cytogenetic location: 16q13.
Variant type: single nucleotide variant.
Coding change: c.106G>A on transcript NM_012106.4 (MANE Select); coding-DNA position 106, G replaced by A.
Protein change: p.Glu36Lys; replaces glutamic acid 36 with lysine.
Molecular consequence: missense variant.
Genome position (GRCh38, 1-based): chr16:57,248,542, G>A. VCF-style: chr16-57248542-G-A. GRCh37 (hg19) VCF-style: chr16-57282454-G-A.
Other names: c.106G>A (NM_012106.3); short protein forms E36K.
Identifiers: ClinVar variation 1500527 (VCV001500527.8), dbSNP rs753452835, ClinGen allele CA8074865.